The following is an entry in ClinVar:

ClinVar aggregate classification (germline): Pathogenic (1 of 4 stars; one submission).

Conditions:
Inborn genetic diseases. Identifiers: MedGen C0950123, MeSH D030342.

Submission:

Ambry Genetics
Classification: Pathogenic for Inborn genetic diseases. Last evaluated: 2024-08-30. Review status: criteria provided, single submitter. Criteria: Ambry Variant Classification Scheme 2023. Collection method: clinical testing. Allele origin: germline.
Comment: The c.3433dupC (p.H1145Pfs*2) alteration, located in exon 27 (coding exon 26) of the TMEM94 gene, consists of a duplication of C at position 3433, causing a translational frameshift with a predicted alternate stop codon after 2 amino acids. This alteration is expected to result in loss of function by premature protein truncation or nonsense-mediated mRNA decay. Based on data from gnomAD, the CC allele has an overall frequency of 0.003% (7/282318) total alleles studied. The highest observed frequency was 0.005% (6/128806) of European (non-Finnish) alleles. The TMEM94 c.3433dupC alteration was flagged as a low confidence call in the Genome Aggregation Database (gnomAD). Based on the available evidence, this alteration is classified as pathogenic.

NM_014738.6(TMEM94):c.3433dup (p.His1145fs)

Gene: TMEM94 (transmembrane protein 94; plus strand). Cytogenetic location: 17q25.1.
Variant type: Duplication.
Coding change: c.3433dup on transcript NM_014738.6 (MANE Select); coding-DNA position 3433, one base duplicated (C; older notation c.3433dupC).
Protein change: p.His1145fs; shifts the reading frame from histidine 1145.
Molecular consequence: frameshift variant.
Genome position (GRCh38, 1-based): chr17:75,497,806, C duplicated; the last of 7 consecutive C bases (chr17:75,497,800-75,497,806); duplicating any one gives the same sequence. VCF-style (leftmost placement, unchanged base first): chr17-75497799-G-GC. GRCh37 (hg19) VCF-style: chr17-73493880-G-GC.
Other names: c.3463dup, p.His1155fs (NM_001321148.2); c.3445dup, p.His1149fs (NM_001321149.2); c.3385dup, p.His1129fs (NM_001351202.2); c.3460dup, p.His1154fs (NM_001351203.2); short protein forms H1129fs, H1154fs, H1155fs, H1145fs, H1149fs.
Identifiers: ClinVar variation 3458654 (VCV003458654.1).